The following is an entry in ClinVar:

ClinVar aggregate classification (germline): Pathogenic/Likely pathogenic. Review status: criteria provided, multiple submitters, no conflicts (2 of 4 stars). 10 submissions from 10 submitters: Pathogenic (5); Likely pathogenic (3). 2 of the submissions do not count toward it. Last evaluated 2026-03-23.

Conditions:
Sialuria. Also called: Sialic Acid Storage Disease; SIALURIA, FRENCH TYPE. Identifiers: Orphanet 3166, MedGen C0342853, MONDO:0010028, OMIM 269921.
GNE myopathy (NM). Also called: MYOPATHY, DISTAL, WITH OR WITHOUT RIMMED VACUOLES; IBM 2; Inclusion body myopathy autosomal recessive; Inclusion body myopathy quadriceps sparing; NONAKA DISTAL MYOPATHY; INCLUSION BODY MYOPATHY, HEREDITARY, AUTOSOMAL RECESSIVE. Identifiers: Orphanet 602, MedGen C1853926, MONDO:0011603, OMIM 605820.
Thrombocytopenia 12 with or without myopathy (THC12). Identifiers: MedGen C5935593, MONDO:0958325, OMIM 620757.

Allele frequency attached by ClinVar (database versions not stated): ExAC 0.00002; TOPMed 0.00001; gnomAD exomes 0.00002 and 0.00001.
gnomAD v4.1: 22 of 1,614,074 alleles (0.0014%); highest among the groups gnomAD compares: Admixed American, 0.005%; no homozygotes.

Submissions (10):

Dasa
Classification: Pathogenic. Last evaluated: 2026-03-23. Review status: criteria provided, single submitter. Criteria: DASA Assertion Criteria. Collection method: clinical testing. Allele origin: germline.
Comment: NM_005476.7(GNE):c.2005G>A (p.Gly669Arg) is a missense variant that results in the substitution of glycine with arginine. This variant has been recurrently observed in individuals with related phenotype (PMID: 29480215; PMID: 23437777; PMID: 37188302). Multiple computational predictions support a deleterious effect on the gene or gene product. The variant is present at low frequency in population datasets. Based on the available data, this variant is classified as pathogenic.

Natera, Inc.
Classification: Pathogenic for Nonaka myopathy. Last evaluated: 2025-09-12. Review status: criteria provided, single submitter. Criteria: Natera Variant Classification Schema (03/2026). Collection method: clinical testing. Allele origin: germline.
Comment: The c.2098G>A variant in GNE is a missense variant predicted to cause substitution of glycine to arginine at amino acid 700. This variant is rare in the general population with a frequency below the threshold expected for the associated phenotype(s). This variant has been observed in one or more individuals affected with the associated recessive disease, as either homozygous or compound heterozygous with a second variant (PMID: 39332896, 23437777, 24027297, 39213088, 38691167). Computational prediction algorithms indicate this variant is likely to affect gene or protein function. Given the available evidence, this variant is classified as Pathogenic.

Women's Health and Genetics/Laboratory Corporation of America, LabCorp
Classification: Pathogenic for GNE myopathy. Last evaluated: 2025-06-06. Review status: criteria provided, single submitter. Criteria: LabCorp Variant Classification Summary - May 2015. Collection method: clinical testing. Allele origin: germline.
Comment: Variant summary: GNE c.2098G>A (p.Gly700Arg) results in a non-conservative amino acid change located in the ATPase, nucleotide binding domain (IPR043129) of the encoded protein sequence. Algorithms developed to predict the effect of missense changes on protein structure and function all suggest that this variant is likely to be disruptive. The variant allele was found at a frequency of 2e-05 in 251470 control chromosomes. c.2098G>A has been observed in multiple individuals affected with clinical features of autosomal recessive distal myopathy (No_2013, Bhattacharya_2018, Baskar_2024, internal data). These data indicate that the variant is very likely to be associated with disease. To our knowledge, no experimental evidence demonstrating an impact on protein function has been reported. The following publications have been ascertained in the context of this evaluation (PMID: 39213088, 27858732, 24027297, 23437777, 29305133, 37647632, 29480215). ClinVar contains an entry for this variant (Variation ID: 290224). Based on the evidence outlined above, the variant was classified as pathogenic.

Myriad Genetics, Inc.
Classification: Likely pathogenic for GNE myopathy. Last evaluated: 2025-03-20. Review status: criteria provided, single submitter. Criteria: Myriad Autosomal Dominant, Autosomal Recessive and X-Linked Classification Criteria (2023). Collection method: clinical testing. Allele origin: unknown.
Comment: NM_001128227.2(GNE):c.2098G>A(G700R) is a missense variant classified as likely pathogenic in the context of GNE myopathy. G700R has been observed in cases with relevant disease (PMID: 24027297, 39332896, 23437777, Andrade_2013_(Abstract)). Relevant functional assessments of this variant are not available in the literature. G700R has been observed in referenced population frequency databases. In summary, NM_001128227.2(GNE):c.2098G>A(G700R) is a missense variant that has been observed more frequently in cases with the relevant disease than in healthy populations. Please note: this variant was assessed in the context of healthy population screening.

Labcorp Genetics (formerly Invitae), Labcorp
Classification: Pathogenic for Sialuria; GNE myopathy. Last evaluated: 2024-09-02. Review status: criteria provided, single submitter. Criteria: Invitae Variant Classification Sherloc (09022015). Collection method: clinical testing. Allele origin: germline.
Comment: This sequence change replaces glycine, which is neutral and non-polar, with arginine, which is basic and polar, at codon 700 of the GNE protein (p.Gly700Arg). This variant is present in population databases (rs776384541, gnomAD 0.01%). This missense change has been observed in individual(s) with clinical features of autosomal recessive distal myopathy (PMID: 23437777, 24027297, 29480215; internal data). In at least one individual the data is consistent with being in trans (on the opposite chromosome) from a pathogenic variant. This variant is also known as p.Gly669Arg. ClinVar contains an entry for this variant (Variation ID: 290224). Invitae Evidence Modeling of protein sequence and biophysical properties (such as structural, functional, and spatial information, amino acid conservation, physicochemical variation, residue mobility, and thermodynamic stability) has been performed for this missense variant. However, the output from this modeling did not meet the statistical confidence thresholds required to predict the impact of this variant on GNE protein function. Algorithms developed to predict the effect of sequence changes on RNA splicing suggest that this variant may create or strengthen a splice site. For these reasons, this variant has been classified as Pathogenic.

Fulgent Genetics
Classification: Likely pathogenic for Sialuria; GNE myopathy; Thrombocytopenia 12 with or without myopathy. Last evaluated: 2024-03-19. Review status: criteria provided, single submitter. Criteria: ACMG Guidelines, 2015. Collection method: clinical testing. Allele origin: germline.

Neuberg Centre For Genomic Medicine, NCGM
Classification: Pathogenic for GNE myopathy. Last evaluated: 2023-06-22. Review status: criteria provided, single submitter. Criteria: ACMG Guidelines, 2015. Collection method: clinical testing. Allele origin: germline. Inheritance: Autosomal recessive inheritance. Affected: yes.
Comment: The missense variant c.2005G>A p.Gly669Arg in the GNE gene has been reported previously in homozygous state in individuals affected with hereditary inclusion body myopathy HIBM or sialuria and congenital thrombocytopenia Futterer et al., 2018; Kurochkina et al., 2010. This variant is reported with the allele frequency 0.001% in the gnomAD Exomes. It is submitted to ClinVar as Pathogenic/ Likely pathogenic/ Uncertain significance. However, functional evidence on its pathogenicity is not available. The amino acid Gly at position 669 is changed to a Arg changing protein sequence and it might alter its composition and physico-chemical properties. Multiple lines of computational evidence Polyphen - Damaging, SIFT - Damaging and MutationTaster - Disease causing predict a damaging effect on protein structure and function for this variant. The reference amino acid change at this position on the GNE gene is predicted as conserved by GERP++ and PhyloP across 100 vertebrates. For these reasons, this variant has been classified as Pathogenic.

Diagnostics Services (NGS), CSIR - Centre For Cellular And Molecular Biology
Classification: Likely pathogenic for GNE myopathy. Last evaluated: 2023-02-02. Review status: criteria provided, single submitter. Criteria: ACMG Guidelines, 2015. Collection method: clinical testing. Allele origin: unknown. Affected: yes. Observed: 1 variant allele, 1 heterozygote.
Comment: The c.2005G>A variant is not present in publicly available population databases like 1000 Genomes, EVS, Indian Exome Database or our in-house exome database. The variant is present in ExAC and gnomAD at low frequencies. This variant has been previously observed in affected individuals, published in literature [PMID:23437777; PMID:27858732; PMID:19917666; PMID:29941673] and reported to HGMD (ID: CM134919). It has been reported to the ClinVar database (Accession ID: VCV000290224.7) as ‘Uncertain significance’ by multiple submitters. In silico pathogenicity prediction programs like SIFT, PolyPhen-2, MutationTaster2, CADD, Varsome etc predicted this variant to be likely deleterious. The variant is located in a mutational hotspot region of the gene.

Revvity Omics, Revvity
Classification: Uncertain significance. Last evaluated: 2024-08-14. Review status: flagged submission. Criteria: ACMG Guidelines, 2015. Collection method: clinical testing. Allele origin: germline. Not counted in ClinVar's aggregate classification.
ClinVar note: Reason: Claim with insufficient supporting evidence

Eurofins Ntd Llc (ga)
Classification: Uncertain significance. Last evaluated: 2017-05-23. Review status: flagged submission. Criteria: EGL Classification Definitions 2015. Collection method: clinical testing. Allele origin: germline. Observed: 2 variant alleles, 2 heterozygotes. Not counted in ClinVar's aggregate classification.
ClinVar note: Reason: Older claim that does not account for recent evidence

Literature cited by the submitters: PubMed 29480215 (cited by 3 submitters); PubMed 23437777 (cited by 5 submitters); PubMed 37188302 (cited by Dasa); PubMed 39332896 (cited by Natera, Inc.); PubMed 24027297 (cited by 3 submitters); PubMed 39213088 (cited by Natera, Inc. and Women's Health and Genetics/Laboratory Corporation of America, LabCorp); PubMed 38691167 (cited by Natera, Inc.); PubMed 27858732 (cited by Women's Health and Genetics/Laboratory Corporation of America, LabCorp and Diagnostics Services (NGS), CSIR - Centre For Cellular And Molecular Biology); PubMed 29305133 (cited by Women's Health and Genetics/Laboratory Corporation of America, LabCorp); PubMed 37647632 (cited by Women's Health and Genetics/Laboratory Corporation of America, LabCorp); PubMed 19917666 (cited by Diagnostics Services (NGS), CSIR - Centre For Cellular And Molecular Biology); PubMed 29941673 (cited by Diagnostics Services (NGS), CSIR - Centre For Cellular And Molecular Biology).

NM_005476.7(GNE):c.2005G>A (p.Gly669Arg)

Gene: GNE (glucosamine (UDP-N-acetyl)-2-epimerase/N-acetylmannosamine kinase; minus strand). Cytogenetic location: 9p13.3.
Variant type: single nucleotide variant.
Coding change: c.2005G>A on transcript NM_005476.7 (MANE Select); coding-DNA position 2005, G replaced by A.
Protein change: p.Gly669Arg; replaces glycine 669 with arginine.
Molecular consequence: missense variant.
Genome position (GRCh38, 1-based): chr9:36,217,529, C>T on the plus strand (G>A on the coding strand, the complement: GNE is on the minus strand). VCF-style: chr9-36217529-C-T. GRCh37 (hg19) VCF-style: chr9-36217526-C-T.
Other names: c.2098G>A, p.Gly700Arg (NM_001128227.3); c.1783G>A, p.Gly595Arg (NM_001190383.3); c.1675G>A, p.Gly559Arg (NM_001190384.3); c.1828G>A, p.Gly610Arg (NM_001190388.2, NM_001374798.1); c.1852G>A, p.Gly618Arg (NM_001374797.1); short protein forms G700R, G669R, G595R, G559R, G610R, G618R.
Identifiers: ClinVar variation 290224 (VCV000290224.26), dbSNP rs776384541, ClinGen allele CA5056373.
Genomic context (GRCh38, chr9:36,217,529, plus strand): 5'-ACAAGGCCTGCTGGCGAATGACGTCTTTGACAATGTGGATATAGTGACTGGCCAGGACTC[C>T]GGAGAGGATCACAAGGGAGGGATTCATGGTATGGAGGATGTTCACAACCCCAAGACCCAA-3'
Protein context (NP_005467.1, residues 659-679): TMNPSLVILS[Gly669Arg]VLASHYIHIV